The following is an entry in ClinVar:

ClinVar aggregate classification (germline): Uncertain significance (1 of 4 stars; one submission).

Conditions:
Charcot-Marie-Tooth disease type 2. Also called: Charcot-Marie-Tooth type 2. Identifiers: Orphanet 64746, MedGen C0270914, MONDO:0018993.

Submission:

Labcorp Genetics (formerly Invitae), Labcorp
Classification: Uncertain significance for Charcot-Marie-Tooth disease type 2. Last evaluated: 2023-07-20. Review status: criteria provided, single submitter. Criteria: Invitae Variant Classification Sherloc (09022015). Collection method: clinical testing. Allele origin: germline.
Comment: This sequence change falls in intron 13 of the MFN2 gene. It does not directly change the encoded amino acid sequence of the MFN2 protein. It affects a nucleotide within the consensus splice site. This variant is not present in population databases (gnomAD no frequency). This variant has not been reported in the literature in individuals affected with MFN2-related conditions. Variants that disrupt the consensus splice site are a relatively common cause of aberrant splicing (PMID: 17576681, 9536098). Algorithms developed to predict the effect of sequence changes on RNA splicing suggest that this variant may disrupt the consensus splice site. In summary, the available evidence is currently insufficient to determine the role of this variant in disease. Therefore, it has been classified as a Variant of Uncertain Significance.

Literature cited by the submitters: PubMed 17576681; PubMed 9536098.

NM_014874.4(MFN2):c.1392+3G>A

Gene: MFN2 (mitofusin 2; plus strand). Cytogenetic location: 1p36.22.
Variant type: single nucleotide variant.
Coding change: c.1392+3G>A on transcript NM_014874.4 (MANE Select); 3 bases into the intron after coding-DNA position 1392, G replaced by A.
Molecular consequence: intron variant.
Genome position (GRCh38, 1-based): chr1:12,004,616, G>A. VCF-style: chr1-12004616-G-A. GRCh37 (hg19) VCF-style: chr1-12064673-G-A.
Other names: c.1392+3G>A (NM_001127660.2).
Identifiers: ClinVar variation 2911429 (VCV002911429.3), dbSNP rs2523077803, ClinGen allele CA2515184836.